The following is an entry in ClinVar:

NM_001365536.1(SCN9A):c.5543G>A (p.Arg1848His)

Genes: SCN1A-AS1 (SCN1A and SCN9A antisense RNA 1; plus strand), SCN9A (sodium voltage-gated channel alpha subunit 9; minus strand). Cytogenetic location: 2q24.3.
Variant type: single nucleotide variant.
Coding change: c.5543G>A on transcript NM_001365536.1 (MANE Select); coding-DNA position 5543, G replaced by A.
Protein change: p.Arg1848His; replaces arginine 1848 with histidine.
Molecular consequence: missense variant.
Genome position (GRCh38, 1-based): chr2:166,199,096, C>T on the plus strand (G>A on the coding strand, the complement: SCN9A is on the minus strand). VCF-style: chr2-166199096-C-T. GRCh37 (hg19) VCF-style: chr2-167055606-C-T.
Other names: c.5510G>A, p.Arg1837His (NM_002977.4); short protein forms R1848H, R1837H.
Identifiers: ClinVar variation 892606 (VCV000892606.15), dbSNP rs199705100, ClinGen allele CA349052428.

ClinVar aggregate classification (germline): Uncertain significance. Review status: criteria provided, multiple submitters, no conflicts (2 of 4 stars). 6 submissions from 4 submitters: Uncertain significance (6). Last evaluated 2024-12-03.

Conditions:
Primary erythromelalgia. Also called: SCN9A Erythromelalgia (SCN9A-EM); primary erythermalgia. Identifiers: Orphanet 306577, Orphanet 90026, MedGen C0014805, MONDO:0007571, OMIM 133020.
Inborn genetic diseases. Identifiers: MedGen C0950123, MeSH D030342.
Neuropathy, hereditary sensory and autonomic, type 2A (HSAN2A). Also called: MORVAN DISEASE; NEUROPATHY, CONGENITAL SENSORY; NEUROPATHY, HEREDITARY SENSORY RADICULAR, AUTOSOMAL RECESSIVE; NEUROPATHY, HEREDITARY SENSORY, TYPE IIA; NEUROPATHY, PROGRESSIVE SENSORY, OF CHILDREN; HSAN IIA. Identifiers: Orphanet 970, MedGen C2752089, MONDO:0024309, OMIM 201300.
Generalized epilepsy with febrile seizures plus, type 7 (GEFSP7). Also called: GEFS+, TYPE 7. Identifiers: Orphanet 36387, MedGen C2751778, MONDO:0013470, OMIM 613863.
Paroxysmal extreme pain disorder (PEXPD). Also called: PAIN, SUBMANDIBULAR, OCULAR, AND RECTAL, WITH FLUSHING; RECTAL PAIN, FAMILIAL; SCN9A Paroxysmal Extreme Pain Disorder (SCN9A-PEPD). Identifiers: Orphanet 46348, MedGen C1833661, MONDO:0008179, OMIM 167400.
Channelopathy-associated congenital insensitivity to pain, autosomal recessive. Also called: Insensitivity to pain, channelopathy-associated; ASYMBOLIA FOR PAIN; CONGENITAL ANALGESIA, AUTOSOMAL RECESSIVE. Identifiers: Orphanet 88642, Orphanet 970, MedGen C1855739, MONDO:0009459, OMIM 243000.

Allele frequency attached by ClinVar (database versions not stated): TOPMed 0.00001.
gnomAD v4.1: 9 of 1,614,138 alleles (0.00056%); highest among the groups gnomAD compares: East Asian, 0.0067%; no homozygotes.

Submissions (6):

GeneDx
Classification: Uncertain significance. Last evaluated: 2024-12-03. Review status: criteria provided, single submitter. Criteria: GeneDx Variant Classification Process June 2021. Collection method: clinical testing. Allele origin: germline. Affected: yes.
Comment: Not observed at significant frequency in large population cohorts (gnomAD); In silico analysis supports that this missense variant has a deleterious effect on protein structure/function; Has not been previously published as pathogenic or benign to our knowledge

Labcorp Genetics (formerly Invitae), Labcorp
Classification: Uncertain significance for Neuropathy, hereditary sensory and autonomic, type 2A; Generalized epilepsy with febrile seizures plus, type 7. Last evaluated: 2024-10-12. Review status: criteria provided, single submitter. Criteria: Invitae Variant Classification Sherloc (09022015). Collection method: clinical testing. Allele origin: germline.
Comment: This sequence change replaces arginine, which is basic and polar, with histidine, which is basic and polar, at codon 1837 of the SCN9A protein (p.Arg1837His). This variant is not present in population databases (gnomAD no frequency). This variant has not been reported in the literature in individuals affected with SCN9A-related conditions. ClinVar contains an entry for this variant (Variation ID: 892606). Invitae Evidence Modeling of protein sequence and biophysical properties (such as structural, functional, and spatial information, amino acid conservation, physicochemical variation, residue mobility, and thermodynamic stability) indicates that this missense variant is not expected to disrupt SCN9A protein function with a negative predictive value of 80%. In summary, the available evidence is currently insufficient to determine the role of this variant in disease. Therefore, it has been classified as a Variant of Uncertain Significance.

Ambry Genetics
Classification: Uncertain significance for Inborn genetic diseases. Last evaluated: 2023-09-22. Review status: criteria provided, single submitter. Criteria: Ambry Variant Classification Scheme 2023. Collection method: clinical testing. Allele origin: germline.

Illumina Laboratory Services, Illumina
Classification: Uncertain significance for Primary erythromelalgia. Last evaluated: 2018-01-13. Review status: criteria provided, single submitter. Criteria: ICSL Variant Classification Criteria 13 December 2019. Collection method: clinical testing. Allele origin: germline.

Illumina Laboratory Services, Illumina
Classification: Uncertain significance for Paroxysmal extreme pain disorder. Last evaluated: 2018-01-13. Review status: criteria provided, single submitter. Criteria: ICSL Variant Classification Criteria 13 December 2019. Collection method: clinical testing. Allele origin: germline.

Illumina Laboratory Services, Illumina
Classification: Uncertain significance for Channelopathy-associated congenital insensitivity to pain, autosomal recessive. Last evaluated: 2018-01-13. Review status: criteria provided, single submitter. Criteria: ICSL Variant Classification Criteria 13 December 2019. Collection method: clinical testing. Allele origin: germline.